The following is an entry in ClinVar:

ClinVar aggregate classification (germline): Pathogenic (1 of 4 stars; one submission).

Allele frequency attached by ClinVar (database versions not stated): gnomAD exomes below 0.00001.
gnomAD v4.1: 2 of 1,613,816 alleles (0.00012%); highest among the groups gnomAD compares: Non-Finnish European, 0.00017%; no homozygotes.

Submission:

Labcorp Genetics (formerly Invitae), Labcorp
Classification: Pathogenic. Last evaluated: 2025-10-02. Review status: criteria provided, single submitter. Criteria: Invitae Variant Classification Sherloc (09022015). Collection method: clinical testing. Allele origin: germline.
Comment: This sequence change affects an acceptor splice site in intron 17 of the ERCC6 gene. It is expected to disrupt RNA splicing. Variants that disrupt the donor or acceptor splice site typically lead to a loss of protein function (PMID: 16199547), and loss-of-function variants in ERCC6 are known to be pathogenic (PMID: 18628313, 29572252). This variant is not present in population databases (gnomAD no frequency). Disruption of this splice site has been observed in individual(s) with Cockayne syndrome (PMID: 33904453). It has also been observed to segregate with disease in related individuals. ClinVar contains an entry for this variant (Variation ID: 1933277). Algorithms developed to predict the effect of sequence changes on RNA splicing suggest that this variant may disrupt the consensus splice site. For these reasons, this variant has been classified as Pathogenic.

Literature cited by the submitters: PubMed 16199547; PubMed 18628313; PubMed 29572252; PubMed 33904453.

NM_000124.4(ERCC6):c.3071-2A>G

Gene: ERCC6 (ERCC excision repair 6, chromatin remodeling factor; minus strand). Cytogenetic location: 10q11.23.
Variant type: single nucleotide variant.
Coding change: c.3071-2A>G on transcript NM_000124.4 (MANE Select); the canonical splice acceptor site of the intron before coding-DNA position 3071, A replaced by G.
Molecular consequence: splice acceptor variant.
Genome position (GRCh38, 1-based): chr10:49,470,891, T>C on the plus strand (A>G on the coding strand, the complement: ERCC6 is on the minus strand). VCF-style: chr10-49470891-T-C. GRCh37 (hg19) VCF-style: chr10-50678937-T-C.
Other names: c.3071-2A>G (NM_001346440.2).
Identifiers: ClinVar variation 1933277 (VCV001933277.5), dbSNP rs2495973867, ClinGen allele CA376717224.
Genomic context (GRCh38, chr10:49,470,891, plus strand): 5'-GGCTGGTTGAATCCTTCTTTTTAGATGGCATTTGGGTGTCTGAACATCTGATCCAGTTCC[T>C]GTAAAGAGGAAAAACACCACTAATACTATATTGTATCATCTTGTGCAATTGATTACTTTA-3'